The following is an entry in ClinVar:

NM_001005273.3(CHD3):c.5435G>A (p.Arg1812Gln)

Gene: CHD3 (chromodomain helicase DNA binding protein 3; plus strand). Cytogenetic location: 17p13.1.
Variant type: single nucleotide variant.
Coding change: c.5435G>A on transcript NM_001005273.3 (MANE Select); coding-DNA position 5435, G replaced by A.
Protein change: p.Arg1812Gln; replaces arginine 1812 with glutamine.
Molecular consequence: missense variant.
Genome position (GRCh38, 1-based): chr17:7,909,183, G>A. VCF-style: chr17-7909183-G-A. GRCh37 (hg19) VCF-style: chr17-7812501-G-A.
Other names: c.5612G>A, p.Arg1871Gln (NM_001005271.3); c.5333G>A, p.Arg1778Gln (NM_005852.4); short protein forms R1812Q, R1778Q, R1871Q.
Identifiers: ClinVar variation 3144120 (VCV003144120.1), dbSNP rs2545140450, ClinGen allele CA397949954.

ClinVar aggregate classification (germline): Uncertain significance (1 of 4 stars; one submission).

Conditions:
Inborn genetic diseases. Identifiers: MedGen C0950123, MeSH D030342.

Submission:

Ambry Genetics
Classification: Uncertain significance for Inborn genetic diseases. Last evaluated: 2024-02-14. Review status: criteria provided, single submitter. Criteria: Ambry Variant Classification Scheme 2023. Collection method: clinical testing. Allele origin: germline.
Comment: The c.5612G>A (p.R1871Q) alteration is located in exon 37 (coding exon 37) of the CHD3 gene. This alteration results from a G to A substitution at nucleotide position 5612, causing the arginine (R) at amino acid position 1871 to be replaced by a glutamine (Q). This variant was not reported in population-based cohorts in the Genome Aggregation Database (gnomAD). This amino acid position is highly conserved in available vertebrate species. This missense alteration is located in a region that has a low rate of benign missense variation (Lek, 2016; Firth, 2009). This alteration is predicted to be deleterious by in silico analysis. Based on insufficient or conflicting evidence, the clinical significance of this alteration remains unclear.